The following is an entry in ClinVar:

ClinVar aggregate classification (germline): Uncertain significance (1 of 4 stars; one submission).

Submission:

GeneDx
Classification: Uncertain significance. Last evaluated: 2023-07-18. Review status: criteria provided, single submitter. Criteria: GeneDx Variant Classification Process June 2021. Collection method: clinical testing. Allele origin: germline. Affected: yes.
Comment: Not observed at significant frequency in large population cohorts (gnomAD); Canonical splice variant in the 5' region of the gene where loss-of-function has not been definitively established as a disease mechanism (Monteiro et al., 2017); Has not been previously published as pathogenic or benign to our knowledge; This variant is associated with the following publications: (PMID: 28179641)

NM_001372044.2(SHANK3):c.1112+1G>A

Gene: SHANK3 (SH3 and multiple ankyrin repeat domains 3; plus strand). Cytogenetic location: 22q13.33.
Variant type: single nucleotide variant.
Coding change: c.1112+1G>A on transcript NM_001372044.2; the canonical splice donor site of the intron after coding-DNA position 1112, G replaced by A.
Molecular consequence: splice donor variant.
Genome position (GRCh38, 1-based): chr22:50,679,429, G>A. VCF-style: chr22-50679429-G-A. GRCh37 (hg19) VCF-style: chr22-51117857-G-A.
Other names: c.885+1G>A (NM_033517.1).
Identifiers: ClinVar variation 450976 (VCV000450976.3), dbSNP rs1555905767, ClinGen allele CA658658928.